The following is an entry in ClinVar:

ClinVar aggregate classification (germline): Conflicting classifications of pathogenicity. Review status: criteria provided, conflicting classifications (1 of 4 stars). 4 submissions from 4 submitters: Uncertain significance (3); Likely benign (1). Last evaluated 2024-11-05.

Conditions:
Epidermolysis bullosa simplex, Ogna type (EBS5A). Also called: Pidermolysis bullosa simplex 5A, Ogna type; EPIDERMOLYSIS BULLOSA SIMPLEX 5A, OGNA TYPE. Identifiers: Orphanet 79401, MedGen C0432317, MONDO:0007555, OMIM 131950.
Epidermolysis bullosa simplex 5B, with muscular dystrophy (EBS5B). Also called: Epidermolysis bullosa simplex with muscular dystrophy; EPIDERMOLYSIS BULLOSA SIMPLEX AND LIMB-GIRDLE MUSCULAR DYSTROPHY. Identifiers: Orphanet 257, MedGen C2931072, MONDO:0009181, OMIM 226670.
Epidermolysis bullosa simplex 5C, with pyloric atresia (EBS5C). Also called: PLEC-Related Epidermolysis Bullosa with Pyloric Atresia; Epidermolysis bullosa simplex with pyloric atresia; PLEC1-Related Epidermolysis Bullosa with Pyloric Atresia. Identifiers: Orphanet 158684, MedGen C2677349, MONDO:0012807, OMIM 612138.
Autosomal recessive limb-girdle muscular dystrophy type 2Q (LGMDR17). Also called: MUSCULAR DYSTROPHY, LIMB-GIRDLE, AUTOSOMAL RECESSIVE 17. Identifiers: Orphanet 254361, MedGen C3150989, MONDO:0013390, OMIM 613723.
Epidermolysis bullosa simplex with nail dystrophy (EBS5D). Identifiers: MedGen C4225309, MONDO:0014661, OMIM 616487.

Allele frequency attached by ClinVar (database versions not stated): gnomAD exomes 0.00001 and 0.00003; gnomAD 0.00002 and 0.00003; TOPMed 0.00005.
gnomAD v4.1: 52 of 1,604,024 alleles (0.0032%); highest among the groups gnomAD compares: Admixed American, 0.005%; no homozygotes.

Submissions (4):

Labcorp Genetics (formerly Invitae), Labcorp
Classification: Uncertain significance for Autosomal recessive limb-girdle muscular dystrophy type 2Q; Epidermolysis bullosa simplex, Ogna type; Epidermolysis bullosa simplex with nail dystrophy; Epidermolysis bullosa simplex 5C, with pyloric atresia; Epidermolysis bullosa simplex 5B, with muscular dystrophy. Last evaluated: 2024-11-05. Review status: criteria provided, single submitter. Criteria: Invitae Variant Classification Sherloc (09022015). Collection method: clinical testing. Allele origin: germline.
Comment: This sequence change replaces methionine, which is neutral and non-polar, with valine, which is neutral and non-polar, at codon 4262 of the PLEC protein (p.Met4262Val). This variant is present in population databases (rs782479828, gnomAD 0.004%). This variant has not been reported in the literature in individuals affected with PLEC-related conditions. ClinVar contains an entry for this variant (Variation ID: 681538). Invitae Evidence Modeling of protein sequence and biophysical properties (such as structural, functional, and spatial information, amino acid conservation, physicochemical variation, residue mobility, and thermodynamic stability) has been performed for this missense variant. However, the output from this modeling did not meet the statistical confidence thresholds required to predict the impact of this variant on PLEC protein function. In summary, the available evidence is currently insufficient to determine the role of this variant in disease. Therefore, it has been classified as a Variant of Uncertain Significance.

Blueprint Genetics
Classification: Uncertain significance. Last evaluated: 2024-09-09. Review status: criteria provided, single submitter. Criteria: ACMG Guidelines, 2015. Collection method: clinical testing. Allele origin: germline.

CeGaT Center for Human Genetics Tuebingen
Classification: Uncertain significance. Last evaluated: 2023-05-01. Review status: criteria provided, single submitter. Criteria: CeGaT Center For Human Genetics Tuebingen Variant Classification Criteria Version 2. Collection method: clinical testing. Allele origin: germline. Affected: yes. Observed: 1 variant allele.
Comment: PLEC: PM2, BP1

GeneDx
Classification: Likely benign. Last evaluated: 2018-07-26. Review status: criteria provided, single submitter. Criteria: GeneDx Variant Classification (06012015). Collection method: clinical testing. Allele origin: germline. Affected: yes.
Comment: This variant is considered likely benign or benign based on one or more of the following criteria: it is a conservative change, it occurs at a poorly conserved position in the protein, it is predicted to be benign by multiple in silico algorithms, and/or has population frequency not consistent with disease.

NM_201384.3(PLEC):c.12703A>G (p.Met4235Val)

Gene: PLEC (plectin; minus strand). Cytogenetic location: 8q24.3.
Variant type: single nucleotide variant.
Coding change: c.12703A>G on transcript NM_201384.3 (MANE Select); coding-DNA position 12703, A replaced by G.
Protein change: p.Met4235Val; replaces methionine 4235 with valine.
Molecular consequence: missense variant.
Genome position (GRCh38, 1-based): chr8:143,917,118, T>C on the plus strand (A>G on the coding strand, the complement: PLEC is on the minus strand). VCF-style: chr8-143917118-T-C. GRCh37 (hg19) VCF-style: chr8-144991286-T-C.
Other names: c.12784A>G, p.Met4262Val (NM_000445.5); c.12661A>G, p.Met4221Val (NM_201378.4); c.12637A>G, p.Met4213Val (NM_201379.3); c.13114A>G, p.Met4372Val (NM_201380.4); c.12607A>G, p.Met4203Val (NM_201381.3); c.12703A>G, p.Met4235Val (NM_201382.4); c.12715A>G, p.Met4239Val (NM_201383.3); short protein forms M4203V, M4213V, M4221V, M4235V, M4262V, M4372V, M4239V.
Identifiers: ClinVar variation 681538 (VCV000681538.33), dbSNP rs782479828, ClinGen allele CA187606979.